The following is an entry in ClinVar:

ClinVar aggregate classification (germline): Uncertain significance (1 of 4 stars; one submission).

Conditions:
Deficiency of isobutyryl-CoA dehydrogenase. Also called: ACYL-CoA DEHYDROGENASE FAMILY, MEMBER 8, DEFICIENCY OF; IBD DEFICIENCY; ACAD8 DEFICIENCY. Identifiers: Orphanet 79159, MedGen C1969809, MONDO:0012648, OMIM 611283.

gnomAD v4.1: 4 of 1,614,136 alleles (0.00025%); highest among the groups gnomAD compares: Non-Finnish European, 0.00034%; no homozygotes.

Submission:

Labcorp Genetics (formerly Invitae), Labcorp
Classification: Uncertain significance for Deficiency of isobutyryl-CoA dehydrogenase. Last evaluated: 2023-11-06. Review status: criteria provided, single submitter. Criteria: Invitae Variant Classification Sherloc (09022015). Collection method: clinical testing. Allele origin: germline.
Comment: This sequence change replaces arginine, which is basic and polar, with proline, which is neutral and non-polar, at codon 302 of the ACAD8 protein (p.Arg302Pro). This variant is not present in population databases (gnomAD no frequency). This variant has not been reported in the literature in individuals affected with ACAD8-related conditions. ClinVar contains an entry for this variant (Variation ID: 640851). Advanced modeling of protein sequence and biophysical properties (such as structural, functional, and spatial information, amino acid conservation, physicochemical variation, residue mobility, and thermodynamic stability) performed at Invitae indicates that this missense variant is expected to disrupt ACAD8 protein function with a positive predictive value of 80%. This variant disrupts the p.Arg302 amino acid residue in ACAD8. Other variant(s) that disrupt this residue have been observed in individuals with ACAD8-related conditions (PMID: 12359132, 31813752, 35154245), which suggests that this may be a clinically significant amino acid residue. In summary, the available evidence is currently insufficient to determine the role of this variant in disease. Therefore, it has been classified as a Variant of Uncertain Significance.

Literature cited by the submitters: PubMed 12359132; PubMed 31813752; PubMed 35154245.

NM_014384.3(ACAD8):c.905G>C (p.Arg302Pro)

Gene: ACAD8 (acyl-CoA dehydrogenase family member 8; plus strand). Cytogenetic location: 11q25.
Variant type: single nucleotide variant.
Coding change: c.905G>C on transcript NM_014384.3 (MANE Select); coding-DNA position 905, G replaced by C.
Protein change: p.Arg302Pro; replaces arginine 302 with proline.
Molecular consequence: missense variant.
Genome position (GRCh38, 1-based): chr11:134,261,338, G>C. VCF-style: chr11-134261338-G-C. GRCh37 (hg19) VCF-style: chr11-134131232-G-C.
Other names: short protein forms R302P.
Identifiers: ClinVar variation 640851 (VCV000640851.9), dbSNP rs121908422, ClinGen allele CA383517088.
Genomic context (GRCh38, chr11:134,261,338, plus strand): 5'-CCTGCTCCCTGGGGGCTGCCCACGCCTCTGTCATCCTCACCCGAGACCACCTCAATGTCC[G>C]GAAGCAGTTTGGAGAGCCTCTGGCCAGTAACCAGGTAACCTCTGCCTTGCCTCCACATGG-3'
Protein context (NP_055199.1, residues 292-312): VILTRDHLNV[Arg302Pro]KQFGEPLASN